The following is an entry in ClinVar:

NM_001164508.2(NEB):c.1675-1G>C

Gene: NEB (nebulin; minus strand). Cytogenetic location: 2q23.3.
Variant type: single nucleotide variant.
Coding change: c.1675-1G>C on transcript NM_001164508.2 (MANE Select); the canonical splice acceptor site of the intron before coding-DNA position 1675, G replaced by C.
Molecular consequence: splice acceptor variant.
Genome position (GRCh38, 1-based): chr2:151,694,630, C>G on the plus strand (G>C on the coding strand, the complement: NEB is on the minus strand). VCF-style: chr2-151694630-C-G. GRCh37 (hg19) VCF-style: chr2-152551144-C-G.
Other names: c.1675-1G>C (NM_004543.5, NM_001164507.2, NM_001271208.2).
Identifiers: ClinVar variation 3367031 (VCV003367031.1).
Genomic context (GRCh38, chr2:151,694,630, plus strand): 5'-ATCCACTTTAATGTCAAACTTTTTGGCTTTGCTCTTCTCCCAGTCTTGCTTATAAAGATT[C>G]TGGACAAAAAAATTCAGCAAAGGAATTGGCAAAAGTGATATGCATGTCACGACCTTTAAA-3'

ClinVar aggregate classification (germline): Likely pathogenic (1 of 4 stars; one submission).

Conditions:
Nemaline myopathy 2 (NEM2). Also called: Nemaline myopathy 2, autosomal recessive. Identifiers: MedGen C1850569, MONDO:0009725, OMIM 256030.

Submission:

Neuberg Centre For Genomic Medicine, NCGM
Classification: Likely pathogenic for Nemaline myopathy 2. Last evaluated: 2023-05-20. Review status: criteria provided, single submitter. Criteria: ACMG Guidelines, 2015. Collection method: clinical testing. Allele origin: germline. Inheritance: Autosomal recessive inheritance. Affected: yes.
Comment: The observed splice acceptor c.1675-1G>C variant in NEB gene has not been reported previously as a pathogenic variant nor as a benign variant, to our knowledge. This variant is absent in gnomAD Exomes. The variant affects AG acceptor splice site in the 3' end of intron 18. This variant is predicted to cause loss of normal protein function through protein truncation. Loss of function variants have been previously reported to be disease causing. The spliceAI tool predicts that this splice site variant is damaging. For these reasons, this variant has been classified as Likely Pathogenic.